The following is an entry in ClinVar:

ClinVar aggregate classification (germline): Uncertain significance (1 of 4 stars; one submission).

Submission:

Labcorp Genetics (formerly Invitae), Labcorp
Classification: Uncertain significance. Last evaluated: 2023-07-28. Review status: criteria provided, single submitter. Criteria: Invitae Variant Classification Sherloc (09022015). Collection method: clinical testing. Allele origin: germline.
Comment: In summary, the available evidence is currently insufficient to determine the role of this variant in disease. Therefore, it has been classified as a Variant of Uncertain Significance. An algorithm developed to predict the effect of missense changes on protein structure and function (PolyPhen-2) suggests that this variant is likely to be disruptive. This variant has not been reported in the literature in individuals affected with FRMD7-related conditions. This variant is not present in population databases (gnomAD no frequency). This sequence change replaces alanine, which is neutral and non-polar, with threonine, which is neutral and polar, at codon 181 of the FRMD7 protein (p.Ala181Thr).

NM_194277.3(FRMD7):c.541G>A (p.Ala181Thr)

Gene: FRMD7 (FERM domain containing 7; minus strand). Cytogenetic location: Xq26.2.
Variant type: single nucleotide variant.
Coding change: c.541G>A on transcript NM_194277.3 (MANE Select); coding-DNA position 541, G replaced by A.
Protein change: p.Ala181Thr; replaces alanine 181 with threonine.
Molecular consequence: missense variant.
Genome position (GRCh38, 1-based): chrX:132,085,685, C>T on the plus strand (G>A on the coding strand, the complement: FRMD7 is on the minus strand). VCF-style: chrX-132085685-C-T. GRCh37 (hg19) VCF-style: chrX-131219713-C-T.
Other names: c.496G>A, p.Ala166Thr (NM_001306193.2); short protein forms A166T, A181T.
Identifiers: ClinVar variation 2747839 (VCV002747839.3), dbSNP rs2520755536, ClinGen allele CA414681164.